The following is an entry in ClinVar:

ClinVar aggregate classification (germline): Uncertain significance. Review status: criteria provided, multiple submitters, no conflicts (2 of 4 stars). 2 submissions from 2 submitters: Uncertain significance (2). Last evaluated 2025-01-11.

Conditions:
Hereditary cancer-predisposing syndrome. Also called: Neoplastic Syndromes, Hereditary; Tumor predisposition; Hereditary neoplastic syndrome; Hereditary Cancer Syndrome. Identifiers: Orphanet 140162, MedGen C0027672, MeSH D009386, MONDO:0015356.

Allele frequency attached by ClinVar (database versions not stated): gnomAD 0.00001; TOPMed 0.00001.
gnomAD v4.1: 1 of 1,613,654 alleles (0.000062%); highest among the groups gnomAD compares: Non-Finnish European, 0.000085%; no homozygotes.

Submissions (2):

Ambry Genetics
Classification: Uncertain significance for Hereditary cancer-predisposing syndrome. Last evaluated: 2025-01-11. Review status: criteria provided, single submitter. Criteria: Ambry Variant Classification Scheme 2023. Collection method: clinical testing. Allele origin: germline.
Comment: The p.Q142E variant (also known as c.424C>G), located in coding exon 4 of the FH gene, results from a C to G substitution at nucleotide position 424. The glutamine at codon 142 is replaced by glutamic acid, an amino acid with highly similar properties. This amino acid position is highly conserved in available vertebrate species. In addition, this alteration is predicted to be deleterious by in silico analysis. Based on the available evidence, the clinical significance of this variant remains unclear.

Labcorp Genetics (formerly Invitae), Labcorp
Classification: Uncertain significance. Last evaluated: 2024-12-19. Review status: criteria provided, single submitter. Criteria: Invitae Variant Classification Sherloc (09022015). Collection method: clinical testing. Allele origin: germline.
Comment: This sequence change replaces glutamine, which is neutral and polar, with glutamic acid, which is acidic and polar, at codon 142 of the FH protein (p.Gln142Glu). This variant is not present in population databases (gnomAD no frequency). This variant has not been reported in the literature in individuals affected with FH-related conditions. ClinVar contains an entry for this variant (Variation ID: 824719). Invitae Evidence Modeling of protein sequence and biophysical properties (such as structural, functional, and spatial information, amino acid conservation, physicochemical variation, residue mobility, and thermodynamic stability) indicates that this missense variant is expected to disrupt FH protein function with a positive predictive value of 95%. In summary, the available evidence is currently insufficient to determine the role of this variant in disease. Therefore, it has been classified as a Variant of Uncertain Significance.

NM_000143.4(FH):c.424C>G (p.Gln142Glu)

Gene: FH (fumarate hydratase; minus strand). Cytogenetic location: 1q43.
Variant type: single nucleotide variant.
Coding change: c.424C>G on transcript NM_000143.4 (MANE Select); coding-DNA position 424, C replaced by G.
Protein change: p.Gln142Glu; replaces glutamine 142 with glutamic acid.
Molecular consequence: missense variant.
Genome position (GRCh38, 1-based): chr1:241,512,098, G>C on the plus strand (C>G on the coding strand, the complement: FH is on the minus strand). VCF-style: chr1-241512098-G-C. GRCh37 (hg19) VCF-style: chr1-241675398-G-C.
Other names: short protein forms Q142E.
Identifiers: ClinVar variation 824719 (VCV000824719.13), dbSNP rs1355199594, ClinGen allele CA345440135.